The following is an entry in ClinVar:

NM_001148.6(ANK2):c.2527C>A (p.Leu843Ile)

Gene: ANK2 (ankyrin 2; plus strand). Cytogenetic location: 4q26.
Variant type: single nucleotide variant.
Coding change: c.2527C>A on transcript NM_001148.6 (MANE Select); coding-DNA position 2527, C replaced by A.
Protein change: p.Leu843Ile; replaces leucine 843 with isoleucine.
Molecular consequence: missense variant.
Genome position (GRCh38, 1-based): chr4:113,302,818, C>A. VCF-style: chr4-113302818-C-A. GRCh37 (hg19) VCF-style: chr4-114223974-C-A.
Other names: c.2464C>A, p.Leu822Ile (NM_001127493.3, NM_001354239.2, NM_001354243.2 and 10 more transcripts); c.2527C>A, p.Leu843Ile (NM_001354225.2, NM_001354228.2, NM_001354232.2 and 6 more transcripts); c.2572C>A, p.Leu858Ile (NM_001354230.2, NM_001354231.2, NM_001354237.2 and 5 more transcripts); c.2428C>A, p.Leu810Ile (NM_001354245.2, NM_001354268.2); c.2440C>A, p.Leu814Ile (NM_001354249.2, NM_001354264.2, NM_001354266.2 and 10 more transcripts); c.2317C>A, p.Leu773Ile (NM_001354269.3); c.2365C>A, p.Leu789Ile (NM_001354270.2, NM_001354253.2, NM_001354257.2 and 1 more transcripts); c.2341C>A, p.Leu781Ile (NM_001354271.2, NM_001386151.1, NM_001354260.2); and 9 more; short protein forms L748I, L777I, L814I, L831I, L839I, L715I, L781I, L852I.
Identifiers: ClinVar variation 1484152 (VCV001484152.6), dbSNP rs2153794168, ClinGen allele CA357923638.

ClinVar aggregate classification (germline): Uncertain significance (1 of 4 stars; one submission).

Conditions:
Long QT syndrome (LQTS). Identifiers: MedGen C0023976, MeSH D008133, MONDO:0002442. Disease mechanism: loss of function. Inheritance: Various modes of inheritance.

gnomAD v4.1: 6 of 1,613,738 alleles (0.00037%); highest among the groups gnomAD compares: Non-Finnish European, 0.00051%; no homozygotes.

Submission:

Labcorp Genetics (formerly Invitae), Labcorp
Classification: Uncertain significance for Long QT syndrome. Last evaluated: 2021-10-24. Review status: criteria provided, single submitter. Criteria: Invitae Variant Classification Sherloc (09022015). Collection method: clinical testing. Allele origin: germline.
Comment: This sequence change replaces leucine, which is neutral and non-polar, with isoleucine, which is neutral and non-polar, at codon 843 of the ANK2 protein (p.Leu843Ile). This variant is not present in population databases (gnomAD no frequency). In summary, the available evidence is currently insufficient to determine the role of this variant in disease. Therefore, it has been classified as a Variant of Uncertain Significance. Algorithms developed to predict the effect of sequence changes on RNA splicing suggest that this variant may create or strengthen a splice site. Algorithms developed to predict the effect of missense changes on protein structure and function are either unavailable or do not agree on the potential impact of this missense change (SIFT: "Tolerated"; PolyPhen-2: "Probably Damaging"; Align-GVGD: "Class C0"). This variant has not been reported in the literature in individuals affected with ANK2-related conditions.